The following is an entry in ClinVar:

ClinVar aggregate classification (germline): Likely pathogenic (1 of 4 stars; one submission).

Conditions:
DICER1-related tumor predisposition. Also called: DICER1-related pleuropulmonary blastoma cancer predisposition syndrome; DICER1 syndrome. Identifiers: Orphanet 284343, MedGen C3839822, MONDO:0100216.

Submission:

Labcorp Genetics (formerly Invitae), Labcorp
Classification: Likely pathogenic for DICER1-related tumor predisposition. Last evaluated: 2022-09-26. Review status: criteria provided, single submitter. Criteria: Invitae Variant Classification Sherloc (09022015). Collection method: clinical testing. Allele origin: germline.
Comment: In summary, the currently available evidence indicates that the variant is pathogenic, but additional data are needed to prove that conclusively. Therefore, this variant has been classified as Likely Pathogenic. This variant has not been reported in the literature in individuals affected with DICER1-related conditions. This variant results in the deletion of part of exon 21 (c.4017_4050+1600del) of the DICER1 gene. It is expected to disrupt RNA splicing. Variants that disrupt the donor or acceptor splice site typically lead to a loss of protein function (PMID: 16199547), and loss-of-function variants in DICER1 are known to be pathogenic (PMID: 19556464, 21266384).

Literature cited by the submitters: PubMed 16199547; PubMed 19556464; PubMed 21266384.

NC_000014.8:g.(?_95568083)_(95569716_?)del

Gene: DICER1 (dicer 1, ribonuclease III; minus strand). Cytogenetic location: 14q32.13.
Variant type: Deletion.
Identifiers: ClinVar variation 2427552 (VCV002427552.4).